The following is an entry in ClinVar:

ClinVar aggregate classification (germline): Likely benign. Review status: criteria provided, multiple submitters, no conflicts (2 of 4 stars). 3 submissions from 3 submitters: Likely benign (2). 1 of the submissions does not count toward it. Last evaluated 2025-10-02.

Conditions:
LRPPRC-related disorder. Also called: LRPPRC-related condition.

Allele frequency attached by ClinVar (database versions not stated): TOPMed 0.00001; gnomAD exomes 0.00002; gnomAD 0.00003 and 0.00004; ExAC 0.00004.
gnomAD v4.1: 39 of 1,528,724 alleles (0.0026%); highest among the groups gnomAD compares: Non-Finnish European, 0.0032%; no homozygotes.

Submissions (3):

Labcorp Genetics (formerly Invitae), Labcorp
Classification: Likely benign. Last evaluated: 2025-10-02. Review status: criteria provided, single submitter. Criteria: Invitae Variant Classification Sherloc (09022015). Collection method: clinical testing. Allele origin: germline.

Blueprint Genetics
Classification: Likely benign. Last evaluated: 2024-08-06. Review status: criteria provided, single submitter. Criteria: ACMG Guidelines, 2015. Collection method: clinical testing. Allele origin: germline.

PreventionGenetics, part of Exact Sciences
Classification: Likely benign for LRPPRC-related condition. Last evaluated: 2021-03-22. Review status: no assertion criteria provided. Collection method: clinical testing. Allele origin: germline. Not counted in ClinVar's aggregate classification.
Comment: This variant is classified as likely benign based on ACMG/AMP sequence variant interpretation guidelines (Richards et al. 2015 PMID: 25741868, with internal and published modifications).

NM_133259.4(LRPPRC):c.4129-9C>T

Gene: LRPPRC (leucine rich pentatricopeptide repeat containing; minus strand). Cytogenetic location: 2p21.
Variant type: single nucleotide variant.
Coding change: c.4129-9C>T on transcript NM_133259.4 (MANE Select); 9 bases into the intron before coding-DNA position 4129, C replaced by T.
Molecular consequence: intron variant.
Genome position (GRCh38, 1-based): chr2:43,888,665, G>A on the plus strand (C>T on the coding strand, the complement: LRPPRC is on the minus strand). VCF-style: chr2-43888665-G-A. GRCh37 (hg19) VCF-style: chr2-44115804-G-A.
Other names: c.4129-9C>T (NM_133259.3).
Identifiers: ClinVar variation 1085487 (VCV001085487.12), dbSNP rs759473064, ClinGen allele CA1637782.